The following is an entry in ClinVar:

ClinVar aggregate classification (germline): Conflicting classifications of pathogenicity. Review status: criteria provided, conflicting classifications (1 of 4 stars). 2 submissions from 2 submitters: Likely pathogenic (1); Uncertain significance (1). Last evaluated 2026-01-22.

Conditions:
FOCAD-related disorder. Also called: FOCAD-related condition.

Allele frequency attached by ClinVar (database versions not stated): ExAC 0.00006; gnomAD exomes 0.00006; TOPMed 0.00007; gnomAD 0.00010; ESP Exome Variant Server 0.00023.
gnomAD v4.1: 98 of 1,503,716 alleles (0.0065%); highest among the groups gnomAD compares: Non-Finnish European, 0.0086%; no homozygotes.

Submissions (3):

PreventionGenetics, part of Exact Sciences
Classification: Likely pathogenic for FOCAD-related condition. Last evaluated: 2026-01-22. Review status: criteria provided, single submitter. Criteria: ACMG Guidelines, 2015. Collection method: clinical testing. Allele origin: germline.
Comment: The FOCAD c.2625+2T>C variant is predicted to disrupt the GT donor site and interfere with normal splicing. To our knowledge, this variant has not been reported in the literature. This variant is reported in 0.013% of alleles in individuals of European (non-Finnish) descent in gnomAD. Variants that disrupt the consensus splice donor site in FOCAD are expected to be pathogenic for autosomal recessive FOCAD-related disorders. This variant is interpreted as likely pathogenic.

Labcorp Genetics (formerly Invitae), Labcorp
Classification: Uncertain significance. Last evaluated: 2025-12-02. Review status: criteria provided, single submitter. Criteria: Invitae Variant Classification Sherloc (09022015). Collection method: clinical testing. Allele origin: germline.
Comment: This sequence change affects a donor splice site in intron 23 of the FOCAD gene. It is expected to disrupt RNA splicing. Variants that disrupt the donor or acceptor splice site typically lead to a loss of protein function (PMID: 16199547), however the current clinical and genetic evidence is not sufficient to establish whether loss-of-function variants in FOCAD cause disease. This variant is present in population databases (rs145752860, gnomAD 0.01%). This variant has not been reported in the literature in individuals affected with FOCAD-related conditions. ClinVar contains an entry for this variant (Variation ID: 2740083). Algorithms developed to predict the effect of sequence changes on RNA splicing suggest that this variant may disrupt the consensus splice site. In summary, the available evidence is currently insufficient to determine the role of this variant in disease. Therefore, it has been classified as a Variant of Uncertain Significance.

Dr. Peter K. Rogan Lab, Western University
No classification provided (evidence only). Condition: Nonpapillary renal cell carcinoma. Review status: no classification provided. Collection method: in vitro. Allele origin: not applicable. Functional consequence: skipped exon, retained intron. Not counted in ClinVar's aggregate classification.

Literature cited by the submitters: PubMed 16199547 (cited by Labcorp Genetics (formerly Invitae), Labcorp).

NM_001375567.1(FOCAD):c.2625+2T>C

Gene: FOCAD (focadhesin; plus strand). Cytogenetic location: 9p21.3.
Variant type: single nucleotide variant.
Coding change: c.2625+2T>C on transcript NM_001375567.1 (MANE Select); the canonical splice donor site of the intron after coding-DNA position 2625, T replaced by C.
Molecular consequence: splice donor variant.
Genome position (GRCh38, 1-based): chr9:20,885,232, T>C. VCF-style: chr9-20885232-T-C. GRCh37 (hg19) VCF-style: chr9-20885231-T-C.
Other names: c.2625+2T>C (NM_017794.4, NM_017794.5); c.2520+2T>C (NM_001375568.1, NM_001375570.1).
Identifiers: ClinVar variation 2740083 (VCV002740083.6), dbSNP rs145752860, ClinGen allele CA5007177.